The following is an entry in ClinVar:

ClinVar aggregate classification (germline): Likely benign (1 of 4 stars; one submission).

gnomAD v4.1: 3 of 1,614,048 alleles (0.00019%); highest among the groups gnomAD compares: African/African-American, 0.0013%; no homozygotes.

Submission:

CeGaT Center for Human Genetics Tuebingen
Classification: Likely benign. Last evaluated: 2025-02-01. Review status: criteria provided, single submitter. Criteria: CeGaT Center For Human Genetics Tuebingen Variant Classification Criteria Version 2. Collection method: clinical testing. Allele origin: germline. Affected: yes. Observed: 1 variant allele.
Comment: ESR1: BP4, BP7

NM_000125.4(ESR1):c.870C>T (p.Asn290=)

Gene: ESR1 (estrogen receptor 1; plus strand). Cytogenetic location: 6q25.1.
Variant type: single nucleotide variant.
Coding change: c.870C>T on transcript NM_000125.4 (MANE Select); coding-DNA position 870, C replaced by T.
Protein change: p.Asn290=; no amino-acid change (asparagine 290 retained).
Molecular consequence: synonymous variant.
Genome position (GRCh38, 1-based): chr6:151,944,282, C>T. VCF-style: chr6-151944282-C-T. GRCh37 (hg19) VCF-style: chr6-152265417-C-T.
Other names: c.870C>T, p.Asn290= (NM_001122740.2, NM_001122741.2, NM_001122742.2 and 5 more transcripts); c.876C>T, p.Asn292= (NM_001291230.2); c.867C>T, p.Asn289= (NM_001291241.2); c.351C>T, p.Asn117= (NM_001328100.2).
Identifiers: ClinVar variation 3771774 (VCV003771774.13).
Genomic context (GRCh38, chr6:151,944,282, plus strand): 5'-GAGAGATGATGGGGAGGGCAGGGGTGAAGTGGGGTCTGCTGGAGACATGAGAGCTGCCAA[C>T]CTTTGGCCAAGCCCGCTCATGATCAAACGCTCTAAGAAGAACAGCCTGGCCTTGTCCCTG-3'
Protein context (NP_000116.2, residues 280-300): VGSAGDMRAA[Asn290=]LWPSPLMIKR